The following is an entry in ClinVar:

ClinVar aggregate classification (germline): Uncertain significance. Review status: criteria provided, multiple submitters, no conflicts (2 of 4 stars). 2 submissions from 2 submitters: Uncertain significance (2). Last evaluated 2024-11-18.

Conditions:
X-linked severe congenital neutropenia (SCNX). Identifiers: Orphanet 86788, MedGen C1845987, MONDO:0010294, OMIM 300299.
Thrombocytopenia 1. Also called: THROMBOCYTOPENIA, X-LINKED, 1; X-linked thrombocytopenia with normal platelets; X-Linked Thrombocytopenia (XLT). Identifiers: Orphanet 268322, Orphanet 852, MedGen C1839163, MONDO:0010743, OMIM 313900.
Wiskott-Aldrich syndrome (WAS). Also called: Wiskott-aldrich syndrome, somatic; ALDRICH SYNDROME; IMMUNODEFICIENCY 2; WISKOTT-ALDRICH SYNDROME 1. Identifiers: Orphanet 906, MedGen C0043194, MONDO:0010518, OMIM 301000.

Submissions (2):

Labcorp Genetics (formerly Invitae), Labcorp
Classification: Uncertain significance for Wiskott-Aldrich syndrome; X-linked severe congenital neutropenia; Thrombocytopenia 1. Last evaluated: 2024-11-18. Review status: criteria provided, single submitter. Criteria: Invitae Variant Classification Sherloc (09022015). Collection method: clinical testing. Allele origin: germline.
Comment: This sequence change replaces valine, which is neutral and non-polar, with alanine, which is neutral and non-polar, at codon 420 of the WAS protein (p.Val420Ala). This variant is not present in population databases (gnomAD no frequency). This variant has not been reported in the literature in individuals affected with WAS-related conditions. ClinVar contains an entry for this variant (Variation ID: 3063649). Invitae Evidence Modeling of protein sequence and biophysical properties (such as structural, functional, and spatial information, amino acid conservation, physicochemical variation, residue mobility, and thermodynamic stability) indicates that this missense variant is not expected to disrupt WAS protein function with a negative predictive value of 80%. In summary, the available evidence is currently insufficient to determine the role of this variant in disease. Therefore, it has been classified as a Variant of Uncertain Significance.

Women's Health and Genetics/Laboratory Corporation of America, LabCorp
Classification: Uncertain significance. Last evaluated: 2024-01-03. Review status: criteria provided, single submitter. Criteria: LabCorp Variant Classification Summary - May 2015. Collection method: clinical testing. Allele origin: germline.
Comment: Variant summary: WAS c.1259T>C (p.Val420Ala) results in a non-conservative amino acid change in the encoded protein sequence. Three of five in-silico tools predict a benign effect of the variant on protein function. The variant was absent in 140816 control chromosomes. The available data on variant occurrences in the general population are insufficient to allow any conclusion about variant significance. To our knowledge, no occurrence of c.1259T>C in individuals affected with Wiskott-Aldrich Syndrome and no experimental evidence demonstrating its impact on protein function have been reported. No submitters have cited clinical-significance assessments for this variant to ClinVar after 2014. Based on the evidence outlined above, the variant was classified as uncertain significance.

NM_000377.3(WAS):c.1259T>C (p.Val420Ala)

Gene: WAS (WASP actin nucleation promoting factor; plus strand). Cytogenetic location: Xp11.23.
Variant type: single nucleotide variant.
Coding change: c.1259T>C on transcript NM_000377.3 (MANE Select); coding-DNA position 1259, T replaced by C.
Protein change: p.Val420Ala; replaces valine 420 with alanine.
Molecular consequence: missense variant.
Genome position (GRCh38, 1-based): chrX:48,688,987, T>C. VCF-style: chrX-48688987-T-C. GRCh37 (hg19) VCF-style: chrX-48547376-T-C.
Other names: short protein forms V420A.
Identifiers: ClinVar variation 3063649 (VCV003063649.3), dbSNP rs2519288032, ClinGen allele CA412873600.